The following is an entry in ClinVar:

NM_147127.5(EVC2):c.-15G>A

Gene: EVC2 (EvC ciliary complex subunit 2; minus strand). Cytogenetic location: 4p16.2.
Variant type: single nucleotide variant.
Coding change: c.-15G>A on transcript NM_147127.5 (MANE Select); 15 bases upstream of the start codon, G replaced by A.
Molecular consequence: 5 prime UTR variant. On other transcripts: intron variant (1).
Genome position (GRCh38, 1-based): chr4:5,708,528, C>T on the plus strand (G>A on the coding strand, the complement: EVC2 is on the minus strand). VCF-style: chr4-5708528-C-T. GRCh37 (hg19) VCF-style: chr4-5710255-C-T.
Other names: c.-13+301G>A (NM_001166136.2).
Identifiers: ClinVar variation 262603 (VCV000262603.15), dbSNP rs76269601, ClinGen allele CA2835562.
Genomic context (GRCh38, chr4:5,708,528, plus strand): 5'-CGGCCAGCACCCACGTGGGGCGCCCCCGGGAGCCCGAGGGGTCCATCGCCTGTCGGGACC[C>T]GCTACCTCAAAGCGGCGGGTGCCGCCGAGTCGCTGGAGCTTCCGGACCCCAGGCCCGCCC-3'

ClinVar aggregate classification (germline): Benign/Likely benign. Review status: criteria provided, multiple submitters, no conflicts (2 of 4 stars). 6 submissions from 6 submitters: Benign (5); Likely benign (1). Last evaluated 2026-06-02.

Allele frequency attached by ClinVar (database versions not stated): gnomAD 0.07112 and 0.07552; TOPMed 0.08104; 1000 Genomes Project 30x 0.09635; 1000 Genomes Project 0.09824; gnomAD exomes 0.13339; ExAC 0.18695.
gnomAD v4.1: 119,402 of 1,433,358 alleles (8.3%); highest among the groups gnomAD compares: East Asian, 19%; 5,742 homozygotes.

Submissions (6):

Women's Health and Genetics/Laboratory Corporation of America, LabCorp
Classification: Benign. Last evaluated: 2026-06-02. Review status: criteria provided, single submitter. Criteria: LabCorp Variant Classification Summary - May 2015. Collection method: clinical testing. Allele origin: germline.
Comment: Variant summary: EVC2 c.-15G>A is located in the untranslated mRNA region upstream of the initiation codon. The variant allele was found at a frequency of 0.13 in 50152 control chromosomes in the gnomAD database, including 475 homozygotes. The observed variant frequency exceeds the estimated maximal expected allele frequency for disease-causing variants in EVC2. To our knowledge, no occurrence of c.-15G>A in individuals affected with EVC2-related conditions and no experimental evidence demonstrating its impact on protein function have been reported. ClinVar contains an entry for this variant (Variation ID: 262603). Based on the evidence outlined above, the variant was classified as benign.

Blueprint Genetics
Classification: Benign. Last evaluated: 2024-11-26. Review status: criteria provided, single submitter. Criteria: ACMG Guidelines, 2015. Collection method: clinical testing. Allele origin: germline.

GeneDx
Classification: Benign. Last evaluated: 2016-03-21. Review status: criteria provided, single submitter. Criteria: GeneDx Variant Classification (06012015). Collection method: clinical testing. Allele origin: germline. Affected: yes.
Comment: This variant is considered likely benign or benign based on one or more of the following criteria: it is a conservative change, it occurs at a poorly conserved position in the protein, it is predicted to be benign by multiple in silico algorithms, and/or has population frequency not consistent with disease.

Eurofins Ntd Llc (ga)
Classification: Benign. Last evaluated: 2016-03-15. Review status: criteria provided, single submitter. Criteria: EGL Classification Definitions 2015. Collection method: clinical testing. Allele origin: germline. Observed: 15 variant alleles, 12 heterozygotes, 3 homozygotes.

Breakthrough Genomics
Classification: Likely benign. Review status: criteria provided, single submitter. Criteria: ACMG Guidelines, 2015. Collection method: not provided. Allele origin: germline. Inheritance: Autosomal recessive inheritance. Affected: yes.

PreventionGenetics, part of Exact Sciences
Classification: Benign. Review status: criteria provided, single submitter. Criteria: ACMG Guidelines, 2015. Collection method: clinical testing. Allele origin: germline.